The following is an entry in ClinVar:

ClinVar aggregate classification (germline): Uncertain significance (1 of 4 stars; one submission).

Submission:

GeneDx
Classification: Uncertain significance. Last evaluated: 2024-12-12. Review status: criteria provided, single submitter. Criteria: GeneDx Variant Classification Process June 2021. Collection method: clinical testing. Allele origin: germline. Affected: yes.
Comment: Not observed at significant frequency in large population cohorts (gnomAD); In silico analysis supports that this missense variant has a deleterious effect on protein structure/function; Has not been previously published as pathogenic or benign to our knowledge

NM_001322934.2(NFKB2):c.569T>C (p.Val190Ala)

Gene: NFKB2 (nuclear factor kappa B subunit 2; plus strand). Cytogenetic location: 10q24.32.
Variant type: single nucleotide variant.
Coding change: c.569T>C on transcript NM_001322934.2 (MANE Select); coding-DNA position 569, T replaced by C.
Protein change: p.Val190Ala; replaces valine 190 with alanine.
Molecular consequence: missense variant.
Genome position (GRCh38, 1-based): chr10:102,397,593, T>C. VCF-style: chr10-102397593-T-C. GRCh37 (hg19) VCF-style: chr10-104157350-T-C.
Other names: c.569T>C, p.Val190Ala (NM_001077494.3, NM_001261403.3, NM_001288724.1 and 2 more transcripts); short protein forms V190A.
Identifiers: ClinVar variation 3903402 (VCV003903402.1).